The following is an entry in ClinVar:

ClinVar aggregate classification (germline): Uncertain significance (1 of 4 stars; one submission).

Conditions:
Tuberous sclerosis 1 (TSC1). Identifiers: Orphanet 805, MedGen C1854465, MONDO:0008612, OMIM 191100.

Submission:

Labcorp Genetics (formerly Invitae), Labcorp
Classification: Uncertain significance for Tuberous sclerosis 1. Last evaluated: 2022-03-05. Review status: criteria provided, single submitter. Criteria: Invitae Variant Classification Sherloc (09022015). Collection method: clinical testing. Allele origin: germline.
Comment: This sequence change replaces valine, which is neutral and non-polar, with glutamic acid, which is acidic and polar, at codon 227 of the TSC1 protein (p.Val227Glu). This variant is not present in population databases (gnomAD no frequency). This variant has not been reported in the literature in individuals affected with TSC1-related conditions. ClinVar contains an entry for this variant (Variation ID: 1062071). Algorithms developed to predict the effect of missense changes on protein structure and function are either unavailable or do not agree on the potential impact of this missense change (SIFT: "Deleterious"; PolyPhen-2: "Probably Damaging"; Align-GVGD: "Class C0"). In summary, the available evidence is currently insufficient to determine the role of this variant in disease. Therefore, it has been classified as a Variant of Uncertain Significance.

NM_000368.5(TSC1):c.680T>A (p.Val227Glu)

Gene: TSC1 (TSC complex subunit 1; minus strand). Cytogenetic location: 9q34.13.
Variant type: single nucleotide variant.
Coding change: c.680T>A on transcript NM_000368.5 (MANE Select); coding-DNA position 680, T replaced by A.
Protein change: p.Val227Glu; replaces valine 227 with glutamic acid.
Molecular consequence: missense variant.
Genome position (GRCh38, 1-based): chr9:132,921,420, A>T on the plus strand (T>A on the coding strand, the complement: TSC1 is on the minus strand). VCF-style: chr9-132921420-A-T. GRCh37 (hg19) VCF-style: chr9-135796807-A-T.
Other names: c.680T>A, p.Val227Glu (NM_001162426.2); c.527T>A, p.Val176Glu (NM_001162427.2); c.317T>A, p.Val106Glu (NM_001362177.2); short protein forms V106E, V176E, V227E.
Identifiers: ClinVar variation 1062071 (VCV001062071.9), dbSNP rs1264542706, ClinGen allele CA375371461.